The following is an entry in ClinVar:

ClinVar aggregate classification (germline): Uncertain significance (1 of 4 stars; one submission).

Conditions:
Intellectual disability. Also called: Intellectual functioning disability; intellectual disabilities; Intellectual developmental disorder. Identifiers: MedGen C3714756, MeSH D008607, MONDO:0001071, HP:0001249.

Submission:

Labcorp Genetics (formerly Invitae), Labcorp
Classification: Uncertain significance for Intellectual disability. Last evaluated: 2023-03-21. Review status: criteria provided, single submitter. Criteria: Invitae Variant Classification Sherloc (09022015). Collection method: clinical testing. Allele origin: germline.
Comment: This sequence change falls in intron 5 of the GABRB2 gene. It does not directly change the encoded amino acid sequence of the GABRB2 protein. It affects a nucleotide within the consensus splice site. This variant is not present in population databases (gnomAD no frequency). This variant has not been reported in the literature in individuals affected with GABRB2-related conditions. Variants that disrupt the consensus splice site are a relatively common cause of aberrant splicing (PMID: 17576681, 9536098). Algorithms developed to predict the effect of sequence changes on RNA splicing suggest that this variant is not likely to affect RNA splicing. In summary, the available evidence is currently insufficient to determine the role of this variant in disease. Therefore, it has been classified as a Variant of Uncertain Significance.

Literature cited by the submitters: PubMed 17576681; PubMed 9536098.

NM_001371727.1(GABRB2):c.458+4T>A

Gene: GABRB2 (gamma-aminobutyric acid type A receptor subunit beta2; minus strand). Cytogenetic location: 5q34.
Variant type: single nucleotide variant.
Coding change: c.458+4T>A on transcript NM_001371727.1 (MANE Select); 4 bases into the intron after coding-DNA position 458, T replaced by A.
Molecular consequence: intron variant.
Genome position (GRCh38, 1-based): chr5:161,459,620, A>T on the plus strand (T>A on the coding strand, the complement: GABRB2 is on the minus strand). VCF-style: chr5-161459620-A-T. GRCh37 (hg19) VCF-style: chr5-160886626-A-T.
Other names: c.458+4T>A (NM_000813.3, NM_021911.3).
Identifiers: ClinVar variation 2848197 (VCV002848197.3), dbSNP rs2113263590, ClinGen allele CA2578474179.